The following is an entry in ClinVar:

NM_014795.4(ZEB2):c.2718del (p.Ala907fs)

Gene: ZEB2 (zinc finger E-box binding homeobox 2; minus strand). Cytogenetic location: 2q22.3.
Variant type: Deletion.
Coding change: c.2718del on transcript NM_014795.4 (MANE Select); coding-DNA position 2718, one base deleted (T; older notation c.2718delT).
Protein change: p.Ala907fs; shifts the reading frame from alanine 907.
Molecular consequence: frameshift variant.
Genome position (GRCh38, 1-based): chr2:144,398,469, A deleted on the plus strand (T on the coding strand, the reverse complement: ZEB2 is on the minus strand). VCF-style (leftmost placement, unchanged base first): chr2-144398468-CA-C. GRCh37 (hg19) VCF-style: chr2-145156035-CA-C.
Other names: c.2646del, p.Ala883fs (NM_001171653.2); c.2718delT (NM_014795.3); short protein forms A883fs, A907fs.
Identifiers: ClinVar variation 1703405 (VCV001703405.7), dbSNP rs2549105730, ClinGen allele CA2580063839.

ClinVar aggregate classification (germline): Pathogenic. Review status: criteria provided, multiple submitters, no conflicts (2 of 4 stars). 4 submissions from 4 submitters: Pathogenic (4). Last evaluated 2026-09-02.

Conditions:
Mowat-Wilson syndrome (MOWS). Also called: Classic Mowat-Wilson Syndrome. Identifiers: Orphanet 2152, MedGen C1856113, MONDO:0009341, OMIM 235730.
Inborn genetic diseases. Identifiers: MedGen C0950123, MeSH D030342.

Submissions (4):

Ambry Genetics
Classification: Pathogenic for Inborn genetic diseases. Last evaluated: 2026-09-02. Review status: criteria provided, single submitter. Criteria: Ambry Variant Classification Scheme 2023. Collection method: clinical testing. Allele origin: germline.
Comment: The c.2718delT (p.A907Lfs*23) alteration, located in exon 8 (coding exon 7) of the ZEB2 gene, consists of a deletion of one nucleotide at position 2718, causing a translational frameshift with a predicted alternate stop codon after 23 amino acids. This variant is expected to result in loss of function by premature protein truncation or nonsense-mediated mRNA decay. This variant was not reported in population-based cohorts in the Genome Aggregation Database (gnomAD). This variant was reported in individual(s) with features consistent with Mowat-Wilson syndrome; in at least one individual, it was determined to be de novo (Garavelli, 2017; Han, 2023). Based on the available evidence, this alteration is classified as pathogenic.

Labcorp Genetics (formerly Invitae), Labcorp
Classification: Pathogenic for Mowat-Wilson syndrome. Last evaluated: 2025-07-23. Review status: criteria provided, single submitter. Criteria: Invitae Variant Classification Sherloc (09022015). Collection method: clinical testing. Allele origin: germline.
Comment: This sequence change creates a premature translational stop signal (p.Ala907Leufs*23) in the ZEB2 gene. It is expected to result in an absent or disrupted protein product. Loss-of-function variants in ZEB2 are known to be pathogenic (PMID: 16053902). This variant is not present in population databases (gnomAD no frequency). This premature translational stop signal has been observed in individual(s) with Mowat-Wilson syndrome (PMID: 19215041). ClinVar contains an entry for this variant (Variation ID: 1703405). For these reasons, this variant has been classified as Pathogenic.

GeneDx
Classification: Pathogenic. Last evaluated: 2024-01-10. Review status: criteria provided, single submitter. Criteria: GeneDx Variant Classification Process June 2021. Collection method: clinical testing. Allele origin: germline.
Comment: Frameshift variant predicted to result in protein truncation or nonsense mediated decay in a gene for which loss-of-function is a known mechanism of disease; Not observed at significant frequency in large population cohorts (gnomAD); This variant is associated with the following publications: (PMID: 27831545, 19215041)

Medical Genetics Unit, Azienda USL-IRCCS di Reggio Emilia
Classification: Pathogenic for Mowat-Wilson syndrome. Last evaluated: 2023-10-20. Review status: criteria provided, single submitter. Criteria: ACMG Guidelines, 2015. Collection method: clinical testing. Allele origin: de novo. Affected: yes. Observed: 1 variant allele.
Comment: Heterozygous variant associated with Mowat-Wilson syndrome in at least 1 individual. ACMG/AMP criteria PVS1, PS2, PM2, PP4

Literature cited by the submitters: PubMed 27831545 (cited by Ambry Genetics); PubMed 37641719 (cited by Ambry Genetics); PubMed 16053902 (cited by Labcorp Genetics (formerly Invitae), Labcorp); PubMed 19215041 (cited by Labcorp Genetics (formerly Invitae), Labcorp); PubMed 29300384 (cited by Medical Genetics Unit, Azienda USL-IRCCS di Reggio Emilia).